The following is an entry in ClinVar:

NM_017950.4(CCDC40):c.2832+305C>T

Gene: CCDC40 (coiled-coil domain 40 molecular ruler complex subunit; plus strand). Cytogenetic location: 17q25.3.
Variant type: single nucleotide variant.
Coding change: c.2832+305C>T on transcript NM_017950.4 (MANE Select); 305 bases into the intron after coding-DNA position 2832, C replaced by T.
Molecular consequence: intron variant. On other transcripts: synonymous variant (1).
Genome position (GRCh38, 1-based): chr17:80,090,189, C>T. VCF-style: chr17-80090189-C-T. GRCh37 (hg19) VCF-style: chr17-78063988-C-T.
Other names: c.2883C>T, p.His961= (NM_001243342.2).
Identifiers: ClinVar variation 3778064 (VCV003778064.8).

ClinVar aggregate classification (germline): Likely benign. Review status: criteria provided, multiple submitters, no conflicts (2 of 4 stars). 2 submissions from 2 submitters: Likely benign (2). Last evaluated 2025-03-01.

gnomAD v4.1: 603 of 1,052,152 alleles (0.057%); highest among the groups gnomAD compares: Non-Finnish European, 0.078%; 28 homozygotes.

Submissions (2):

CeGaT Center for Human Genetics Tuebingen
Classification: Likely benign. Last evaluated: 2025-03-01. Review status: criteria provided, single submitter. Criteria: CeGaT Center For Human Genetics Tuebingen Variant Classification Criteria Version 2. Collection method: clinical testing. Allele origin: germline. Affected: yes. Observed: 1 variant allele.
Comment: CCDC40: BP4, BS2

Blueprint Genetics
Classification: Likely benign. Last evaluated: 2024-10-17. Review status: criteria provided, single submitter. Criteria: ACMG Guidelines, 2015. Collection method: clinical testing. Allele origin: germline.